The following is an entry in ClinVar:

NM_025179.4(PLXNA2):c.1544C>T (p.Thr515Met)

Gene: PLXNA2 (plexin A2; minus strand). Cytogenetic location: 1q32.2.
Variant type: single nucleotide variant.
Coding change: c.1544C>T on transcript NM_025179.4 (MANE Select); coding-DNA position 1544, C replaced by T.
Protein change: p.Thr515Met; replaces threonine 515 with methionine.
Molecular consequence: missense variant.
Genome position (GRCh38, 1-based): chr1:208,103,210, G>A on the plus strand (C>T on the coding strand, the complement: PLXNA2 is on the minus strand). VCF-style: chr1-208103210-G-A. GRCh37 (hg19) VCF-style: chr1-208276555-G-A.
Other names: short protein forms T515M.
Identifiers: ClinVar variation 1440083 (VCV001440083.8), dbSNP rs367700351, ClinGen allele CA1373809.

ClinVar aggregate classification (germline): Uncertain significance (1 of 4 stars; one submission).

Allele frequency attached by ClinVar (database versions not stated): ExAC 0.00001; gnomAD exomes 0.00002; TOPMed 0.00003.
gnomAD v4.1: 24 of 1,614,046 alleles (0.0015%); highest among the groups gnomAD compares: South Asian, 0.0099%; no homozygotes.

Submission:

Labcorp Genetics (formerly Invitae), Labcorp
Classification: Uncertain significance. Last evaluated: 2024-10-26. Review status: criteria provided, single submitter. Criteria: Invitae Variant Classification Sherloc (09022015). Collection method: clinical testing. Allele origin: germline.
Comment: This sequence change replaces threonine, which is neutral and polar, with methionine, which is neutral and non-polar, at codon 515 of the PLXNA2 protein (p.Thr515Met). This variant is present in population databases (rs367700351, gnomAD 0.01%). This variant has not been reported in the literature in individuals affected with PLXNA2-related conditions. ClinVar contains an entry for this variant (Variation ID: 1440083). Invitae Evidence Modeling of protein sequence and biophysical properties (such as structural, functional, and spatial information, amino acid conservation, physicochemical variation, residue mobility, and thermodynamic stability) indicates that this missense variant is not expected to disrupt PLXNA2 protein function with a negative predictive value of 80%. Experimental studies have shown that this missense change affects PLXNA2 function (PMID: 30661757). In summary, the available evidence is currently insufficient to determine the role of this variant in disease. Therefore, it has been classified as a Variant of Uncertain Significance.

Literature cited by the submitters: PubMed 30661757.